The following is an entry in ClinVar:

NM_000722.4(CACNA2D1):c.392T>A (p.Leu131His)

Gene: CACNA2D1 (calcium voltage-gated channel auxiliary subunit alpha2delta 1; minus strand). Cytogenetic location: 7q21.11.
Variant type: single nucleotide variant.
Coding change: c.392T>A on transcript NM_000722.4 (MANE Select); coding-DNA position 392, T replaced by A.
Protein change: p.Leu131His; replaces leucine 131 with histidine.
Molecular consequence: missense variant.
Genome position (GRCh38, 1-based): chr7:82,136,639, A>T on the plus strand (T>A on the coding strand, the complement: CACNA2D1 is on the minus strand). VCF-style: chr7-82136639-A-T. GRCh37 (hg19) VCF-style: chr7-81765955-A-T.
Other names: c.392T>A, p.Leu131His (NM_001302890.2, NM_001366867.1); short protein forms L131H.
Identifiers: ClinVar variation 3609375 (VCV003609375.3).

ClinVar aggregate classification (germline): Uncertain significance. Review status: criteria provided, multiple submitters, no conflicts (2 of 4 stars). 2 submissions from 2 submitters: Uncertain significance (2). Last evaluated 2025-05-18.

Conditions:
Cardiovascular phenotype. Identifiers: MedGen CN230736.
Brugada syndrome. Also called: Sudden Unexplained Death Syndrome; Sudden Unexplained Nocturnal Death Syndrome (SUNDS); Sudden unexpected nocturnal death syndrome; Sudden unexplained nocturnal death syndrome. Identifiers: Orphanet 130, MedGen C1142166, MONDO:0015263.

Submissions (2):

Ambry Genetics
Classification: Uncertain significance for Cardiovascular phenotype. Last evaluated: 2025-05-18. Review status: criteria provided, single submitter. Criteria: Ambry Variant Classification Scheme 2023. Collection method: clinical testing. Allele origin: germline.
Comment: The p.L131H variant (also known as c.392T>A), located in coding exon 5 of the CACNA2D1 gene, results from a T to A substitution at nucleotide position 392. The leucine at codon 131 is replaced by histidine, an amino acid with similar properties. This amino acid position is conserved. In addition, this alteration is predicted to be tolerated by in silico analysis. Based on the available evidence, the clinical significance of this variant remains unclear.

Labcorp Genetics (formerly Invitae), Labcorp
Classification: Uncertain significance for Brugada syndrome. Last evaluated: 2024-06-23. Review status: criteria provided, single submitter. Criteria: Invitae Variant Classification Sherloc (09022015). Collection method: clinical testing. Allele origin: germline.
Comment: This sequence change replaces leucine, which is neutral and non-polar, with histidine, which is basic and polar, at codon 131 of the CACNA2D1 protein (p.Leu131His). This variant is not present in population databases (gnomAD no frequency). This variant has not been reported in the literature in individuals affected with CACNA2D1-related conditions. An algorithm developed to predict the effect of missense changes on protein structure and function (PolyPhen-2) suggests that this variant is likely to be tolerated. In summary, the available evidence is currently insufficient to determine the role of this variant in disease. Therefore, it has been classified as a Variant of Uncertain Significance.